The following is an entry in ClinVar:

ClinVar aggregate classification (germline): Likely benign. Review status: criteria provided, multiple submitters, no conflicts (2 of 4 stars). 4 submissions from 4 submitters: Likely benign (3). 1 of the submissions does not count toward it. Last evaluated 2025-09-08.

Conditions:
RASA2-related disorder. Also called: RASA2-related condition.

Allele frequency attached by ClinVar (database versions not stated): TOPMed 0.00001.
gnomAD v4.1: 24 of 1,612,290 alleles (0.0015%); highest among the groups gnomAD compares: Middle Eastern, 0.017%; no homozygotes.

Submissions (4):

Labcorp Genetics (formerly Invitae), Labcorp
Classification: Likely benign. Last evaluated: 2025-09-08. Review status: criteria provided, single submitter. Criteria: Invitae Variant Classification Sherloc (09022015). Collection method: clinical testing. Allele origin: germline.

Blueprint Genetics
Classification: Likely benign. Last evaluated: 2024-01-10. Review status: criteria provided, single submitter. Criteria: ACMG Guidelines, 2015. Collection method: clinical testing. Allele origin: germline.

Ambry Genetics
Classification: Likely benign. Last evaluated: 2019-06-09. Review status: criteria provided, single submitter. Criteria: Ambry Variant Classification Scheme 2023. Collection method: clinical testing. Allele origin: germline.

PreventionGenetics, part of Exact Sciences
Classification: Likely benign for RASA2-related condition. Last evaluated: 2019-08-05. Review status: no assertion criteria provided. Collection method: clinical testing. Allele origin: germline. Not counted in ClinVar's aggregate classification.
Comment: This variant is classified as likely benign based on ACMG/AMP sequence variant interpretation guidelines (Richards et al. 2015 PMID: 25741868, with internal and published modifications).

NM_006506.5(RASA2):c.957C>T (p.Tyr319=)

Gene: RASA2 (RAS p21 protein activator 2; plus strand). Cytogenetic location: 3q23.
Variant type: single nucleotide variant.
Coding change: c.957C>T on transcript NM_006506.5 (MANE Select); coding-DNA position 957, C replaced by T.
Protein change: p.Tyr319=; no amino-acid change (tyrosine 319 retained).
Molecular consequence: synonymous variant.
Genome position (GRCh38, 1-based): chr3:141,571,005, C>T. VCF-style: chr3-141571005-C-T. GRCh37 (hg19) VCF-style: chr3-141289847-C-T.
Other names: c.957C>T, p.Tyr319= (NM_001303245.3, NM_001303246.3); c.957C>T (NM_001303246.1).
Identifiers: ClinVar variation 704724 (VCV000704724.11), dbSNP rs746485118, ClinGen allele CA2645373.